The following is an entry in ClinVar:

ClinVar aggregate classification (germline): Uncertain significance (1 of 4 stars; one submission).

Conditions:
Hypodontia. Also called: Partial congenital absence of teeth; TOOTH AGENESIS, FAMILIAL; Tooth agenesis, selective. Identifiers: Orphanet 99798, MedGen C0020608, MONDO:0005486, HP:0000668. Disease mechanism: loss of function.

Submission:

Labcorp Genetics (formerly Invitae), Labcorp
Classification: Uncertain significance for Hypodontia. Last evaluated: 2022-10-24. Review status: criteria provided, single submitter. Criteria: Invitae Variant Classification Sherloc (09022015). Collection method: clinical testing. Allele origin: germline.
Comment: In summary, the available evidence is currently insufficient to determine the role of this variant in disease. Therefore, it has been classified as a Variant of Uncertain Significance. Advanced modeling of protein sequence and biophysical properties (such as structural, functional, and spatial information, amino acid conservation, physicochemical variation, residue mobility, and thermodynamic stability) performed at Invitae indicates that this missense variant is not expected to disrupt PAX9 protein function. This variant has not been reported in the literature in individuals affected with PAX9-related conditions. This variant is not present in population databases (gnomAD no frequency). This sequence change replaces valine, which is neutral and non-polar, with leucine, which is neutral and non-polar, at codon 78 of the PAX9 protein (p.Val78Leu).

NM_001372076.1(PAX9):c.232G>C (p.Val78Leu)

Gene: PAX9 (paired box 9; plus strand). Cytogenetic location: 14q13.3.
Variant type: single nucleotide variant.
Coding change: c.232G>C on transcript NM_001372076.1 (MANE Select); coding-DNA position 232, G replaced by C.
Protein change: p.Val78Leu; replaces valine 78 with leucine.
Molecular consequence: missense variant.
Genome position (GRCh38, 1-based): chr14:36,663,124, G>C. VCF-style: chr14-36663124-G-C. GRCh37 (hg19) VCF-style: chr14-37132329-G-C.
Other names: c.232G>C, p.Val78Leu (NM_006194.4); short protein forms V78L.
Identifiers: ClinVar variation 2002337 (VCV002002337.4), dbSNP rs2502237384, ClinGen allele CA389466393.
Genomic context (GRCh38, chr14:36,663,124, plus strand): 5'-GCGCGATACAACGAGACGGGCTCGATCTTGCCAGGAGCCATCGGGGGCAGCAAGCCCCGG[G>C]TCACTACCCCCACCGTGGTGAAACACATCCGGACCTACAAGCAGAGAGACCCCGGCATCT-3'
Protein context (NP_001359005.1, residues 68-88): PGAIGGSKPR[Val78Leu]TTPTVVKHIR